The following is an entry in ClinVar:

NM_001367624.2(ZNF469):c.6799C>T (p.Arg2267Ter)

Gene: ZNF469 (zinc finger protein 469; plus strand). Cytogenetic location: 16q24.2.
Variant type: single nucleotide variant.
Coding change: c.6799C>T on transcript NM_001367624.2 (MANE Select); coding-DNA position 6799, C replaced by T.
Protein change: p.Arg2267Ter; replaces arginine 2267 with a stop codon.
Molecular consequence: nonsense.
Genome position (GRCh38, 1-based): chr16:88,434,269, C>T. VCF-style: chr16-88434269-C-T. GRCh37 (hg19) VCF-style: chr16-88500677-C-T.
Other names: short protein forms R2267*.
Identifiers: ClinVar variation 4726469 (VCV004726469.1).

ClinVar aggregate classification (germline): Pathogenic (1 of 4 stars; one submission).

gnomAD v4.1: 2 of 1,550,340 alleles (0.00013%); highest among the groups gnomAD compares: African/African-American, 0.0014%; no homozygotes.

Submission:

Labcorp Genetics (formerly Invitae), Labcorp
Classification: Pathogenic. Last evaluated: 2025-09-01. Review status: criteria provided, single submitter. Criteria: Invitae Variant Classification Sherloc (09022015). Collection method: clinical testing. Allele origin: germline.
Comment: This sequence change creates a premature translational stop signal (p.Arg2239*) in the ZNF469 gene. While this is not anticipated to result in nonsense mediated decay, it is expected to disrupt the last 1687 amino acid(s) of the ZNF469 protein. This variant is not present in population databases (gnomAD no frequency). This variant has not been reported in the literature in individuals affected with ZNF469-related conditions. This variant disrupts a region of the ZNF469 protein in which other variant(s) (p.Arg3414Glyfs*59) have been determined to be pathogenic (PMID: 32671420). This suggests that this is a clinically significant region of the protein, and that variants that disrupt it are likely to be disease-causing. For these reasons, this variant has been classified as Pathogenic.

Literature cited by the submitters: PubMed 32671420.